The following is an entry in ClinVar:

ClinVar aggregate classification (germline): Pathogenic (1 of 4 stars; one submission).

Conditions:
Episodic kinesigenic dyskinesia (EKD). Also called: Paroxysmal kinesigenic dyskinesia. Identifiers: Orphanet 98809, MedGen C1868682, MONDO:0044202.

Submission:

Labcorp Genetics (formerly Invitae), Labcorp
Classification: Pathogenic for Episodic kinesigenic dyskinesia. Last evaluated: 2024-09-11. Review status: criteria provided, single submitter. Criteria: Invitae Variant Classification Sherloc (09022015). Collection method: clinical testing. Allele origin: germline.
Comment: This sequence change creates a premature translational stop signal (p.Lys153Serfs*15) in the PRRT2 gene. It is expected to result in an absent or disrupted protein product. Loss-of-function variants in PRRT2 are known to be pathogenic (PMID: 22623405, 22744660). This variant is not present in population databases (gnomAD no frequency). This variant has not been reported in the literature in individuals affected with PRRT2-related conditions. For these reasons, this variant has been classified as Pathogenic.

Literature cited by the submitters: PubMed 22623405; PubMed 22744660.

NM_145239.3(PRRT2):c.458_462del (p.Lys153fs)

Genes: MVP-DT (MVP divergent transcript; minus strand), PRRT2 (proline rich transmembrane protein 2; plus strand). Cytogenetic location: 16p11.2.
Variant type: Deletion.
Coding change: c.458_462del on transcript NM_145239.3 (MANE Select); coding-DNA positions 458 to 462, 5 bases deleted (AGCCA; older notation c.458_462delAGCCA).
Protein change: p.Lys153fs; shifts the reading frame from lysine 153.
Molecular consequence: frameshift variant.
Genome position (GRCh38, 1-based): chr16:29,813,512-29,813,516, AGCCA deleted; deleting any 5 consecutive bases within chr16:29,813,509-29,813,516 gives the same sequence; the c. name uses the placement nearest the transcript's 3' end. VCF-style (leftmost placement, unchanged base first): chr16-29813508-CCCAAG-C. GRCh37 (hg19) VCF-style: chr16-29824829-CCCAAG-C.
Other names: c.458_462del, p.Lys153fs (NM_001256442.2, NM_001256443.2); short protein forms K153fs.
Identifiers: ClinVar variation 3704190 (VCV003704190.2).